The following is an entry in ClinVar:

ClinVar aggregate classification (germline): Uncertain significance (1 of 4 stars; one submission).

Conditions:
Hereditary cancer-predisposing syndrome. Also called: Neoplastic Syndromes, Hereditary; Hereditary Cancer Syndrome; Tumor predisposition; Hereditary neoplastic syndrome. Identifiers: Orphanet 140162, MedGen C0027672, MeSH D009386, MONDO:0015356.

Allele frequency attached by ClinVar (database versions not stated): gnomAD exomes below 0.00001.
gnomAD v4.1: 1 of 1,613,832 alleles (0.000062%); highest among the groups gnomAD compares: South Asian, 0.0011%; no homozygotes.

Submission:

Color Diagnostics, LLC DBA Color Health
Classification: Uncertain significance for Hereditary cancer-predisposing syndrome. Last evaluated: 2023-12-04. Review status: criteria provided, single submitter. Criteria: ACMG Guidelines, 2015. Collection method: clinical testing. Allele origin: germline.
Comment: This missense variant replaces glycine with valine at codon 578 of the BAP1 protein. Computational prediction suggests that this variant may not impact protein structure and function (internally defined REVEL score threshold <= 0.5, PMID: 27666373). To our knowledge, functional studies have not been reported for this variant. This variant has not been reported in individuals affected with BAP1-related disorders in the literature. This variant has been identified in 1/251048 chromosomes in the general population by the Genome Aggregation Database (gnomAD). The available evidence is insufficient to determine the role of this variant in disease conclusively. Therefore, this variant is classified as a Variant of Uncertain Significance.

NM_004656.4(BAP1):c.1733G>T (p.Gly578Val)

Gene: BAP1 (BRCA1 associated deubiquitinase 1; minus strand). Cytogenetic location: 3p21.1.
Variant type: single nucleotide variant.
Coding change: c.1733G>T on transcript NM_004656.4 (MANE Select); coding-DNA position 1733, G replaced by T.
Protein change: p.Gly578Val; replaces glycine 578 with valine.
Molecular consequence: missense variant.
Genome position (GRCh38, 1-based): chr3:52,403,295, C>A on the plus strand (G>T on the coding strand, the complement: BAP1 is on the minus strand). VCF-style: chr3-52403295-C-A. GRCh37 (hg19) VCF-style: chr3-52437311-C-A.
Other names: short protein forms G578V.
Identifiers: ClinVar variation 928008 (VCV000928008.4), dbSNP rs1331414323, ClinGen allele CA353099347.